The following is an entry in ClinVar:

NM_014141.6(CNTNAP2):c.2797T>G (p.Phe933Val)

Genes: CNTNAP2 (contactin associated protein 2; plus strand), LOC126860216 (BRD4-independent group 4 enhancer GRCh37_chr7:147868766-147869965; plus strand). Cytogenetic location: 7q35.
Variant type: single nucleotide variant.
Coding change: c.2797T>G on transcript NM_014141.6 (MANE Select); coding-DNA position 2797, T replaced by G.
Protein change: p.Phe933Val; replaces phenylalanine 933 with valine.
Molecular consequence: missense variant.
Genome position (GRCh38, 1-based): chr7:148,172,265, T>G. VCF-style: chr7-148172265-T-G. GRCh37 (hg19) VCF-style: chr7-147869357-T-G.
Other names: short protein forms F933V.
Identifiers: ClinVar variation 1993155 (VCV001993155.4), dbSNP rs2536592995, ClinGen allele CA369928351.
Genomic context (GRCh38, chr7:148,172,265, plus strand): 5'-TATTCCCTCTGAACTCTGTGCCTTCTGTCATTCCCAGGTGGTGCTGGGGGCCAGCAGGGC[T>G]TCCTGGGCTGCATCCGCTCCTTGAGGATGAATGGGGTGACACTTGACCTGGAGGAAAGAG-3'
Protein context (NP_054860.1, residues 923-943): FVGGAGGQQG[Phe933Val]LGCIRSLRMN

ClinVar aggregate classification (germline): Uncertain significance (1 of 4 stars; one submission).

Conditions:
Cortical dysplasia-focal epilepsy syndrome (PTHSL1). Also called: Pitt-Hopkins-like syndrome 1. Identifiers: Orphanet 163681, Orphanet 221150, MedGen C2750246, MONDO:0012400, OMIM 610042.

Submission:

Labcorp Genetics (formerly Invitae), Labcorp
Classification: Uncertain significance for Cortical dysplasia-focal epilepsy syndrome. Last evaluated: 2024-01-15. Review status: criteria provided, single submitter. Criteria: Invitae Variant Classification Sherloc (09022015). Collection method: clinical testing. Allele origin: germline.
Comment: This sequence change replaces phenylalanine, which is neutral and non-polar, with valine, which is neutral and non-polar, at codon 933 of the CNTNAP2 protein (p.Phe933Val). This variant is not present in population databases (gnomAD no frequency). This variant has not been reported in the literature in individuals affected with CNTNAP2-related conditions. ClinVar contains an entry for this variant (Variation ID: 1993155). An algorithm developed to predict the effect of missense changes on protein structure and function (PolyPhen-2) suggests that this variant is likely to be disruptive. In summary, the available evidence is currently insufficient to determine the role of this variant in disease. Therefore, it has been classified as a Variant of Uncertain Significance.